The following is an entry in ClinVar:

NM_006348.5(COG5):c.2261C>T (p.Thr754Met)

Gene: COG5 (component of oligomeric golgi complex 5; minus strand). Cytogenetic location: 7q22.3.
Variant type: single nucleotide variant.
Coding change: c.2261C>T on transcript NM_006348.5 (MANE Select); coding-DNA position 2261, C replaced by T.
Protein change: p.Thr754Met; replaces threonine 754 with methionine.
Molecular consequence: missense variant. On other transcripts: intron variant (1).
Genome position (GRCh38, 1-based): chr7:107,211,133, G>A on the plus strand (C>T on the coding strand, the complement: COG5 is on the minus strand). VCF-style: chr7-107211133-G-A. GRCh37 (hg19) VCF-style: chr7-106851578-G-A.
Other names: c.2261C>T, p.Thr754Met (NM_001161520.2); c.2099C>T, p.Thr700Met (NM_001379511.1); c.2087C>T, p.Thr696Met (NM_001379512.1); c.1946C>T, p.Thr649Met (NM_001379514.1); c.1691C>T, p.Thr564Met (NM_001379515.1); c.1547C>T, p.Thr516Met (NM_001379516.1); c.2198C>T, p.Thr733Met (NM_181733.4); c.2169-7503C>T (NM_001379513.1); and 1 more; short protein forms T516M, T696M, T564M, T649M, T700M, T733M, T754M.
Identifiers: ClinVar variation 1487926 (VCV001487926.8), dbSNP rs760602600, ClinGen allele CA4430643.

ClinVar aggregate classification (germline): Uncertain significance. Review status: criteria provided, multiple submitters, no conflicts (2 of 4 stars). 3 submissions from 3 submitters: Uncertain significance (3). Last evaluated 2024-11-13.

Conditions:
Craniosynostosis syndrome. Also called: Craniosynostosis. Identifiers: Orphanet 1531, MedGen C0010278, MeSH D003398, MONDO:0015469, HP:0001363.
Inborn genetic diseases. Identifiers: MedGen C0950123, MeSH D030342.
COG5-congenital disorder of glycosylation. Also called: CONGENITAL DISORDER OF GLYCOSYLATION, TYPE IIi; CDG IIi; COG5-CDG. Identifiers: Orphanet 263487, MedGen C3150876, MONDO:0013325, OMIM 613612.

Allele frequency attached by ClinVar (database versions not stated): ExAC 0.00002; gnomAD 0.00002; TOPMed 0.00002; gnomAD exomes 0.00003.
gnomAD v4.1: 39 of 1,613,896 alleles (0.0024%); highest among the groups gnomAD compares: African/African-American, 0.0067%; no homozygotes.

Submissions (3):

Ambry Genetics
Classification: Uncertain significance for Inborn genetic diseases. Last evaluated: 2024-11-13. Review status: criteria provided, single submitter. Criteria: Ambry Variant Classification Scheme 2023. Collection method: clinical testing. Allele origin: germline.

Labcorp Genetics (formerly Invitae), Labcorp
Classification: Uncertain significance for COG5-congenital disorder of glycosylation. Last evaluated: 2021-04-08. Review status: criteria provided, single submitter. Criteria: Invitae Variant Classification Sherloc (09022015). Collection method: clinical testing. Allele origin: germline.
Comment: In summary, the available evidence is currently insufficient to determine the role of this variant in disease. Therefore, it has been classified as a Variant of Uncertain Significance. Algorithms developed to predict the effect of missense changes on protein structure and function are either unavailable or do not agree on the potential impact of this missense change (SIFT: "Deleterious"; PolyPhen-2: "Possibly Damaging"; Align-GVGD: "Class C0"). This variant has not been reported in the literature in individuals with COG5-related conditions. This variant is present in population databases (rs760602600, ExAC 0.003%). This sequence change replaces threonine with methionine at codon 785 of the COG5 protein (p.Thr785Met). The threonine residue is moderately conserved and there is a moderate physicochemical difference between threonine and methionine.

Cambridge Genomics Laboratory, East Genomic Laboratory Hub, NHS Genomic Medicine Service
Classification: Uncertain significance for Craniosynostosis syndrome. Last evaluated: 2019-08-08. Review status: criteria provided, single submitter. Criteria: ACGS Best Practice Guidelines for Variant Classification in Rare Disease 2020. Collection method: clinical testing. Allele origin: germline. Affected: yes. Observed: 1 variant allele.